The following is an entry in ClinVar:

NM_001875.5(CPS1):c.2945G>A (p.Gly982Asp)

Gene: CPS1 (carbamoyl-phosphate synthase 1; plus strand). Cytogenetic location: 2q34.
Variant type: single nucleotide variant.
Coding change: c.2945G>A on transcript NM_001875.5 (MANE Select); coding-DNA position 2945, G replaced by A.
Protein change: p.Gly982Asp; replaces glycine 982 with aspartic acid.
Molecular consequence: missense variant. On other transcripts: non-coding transcript variant (2).
Genome position (GRCh38, 1-based): chr2:210,640,045, G>A. VCF-style: chr2-210640045-G-A. GRCh37 (hg19) VCF-style: chr2-211504769-G-A.
Other names: c.2945G>A, p.Gly982Asp (LRG_336t1, NM_001122633.3, NM_001369257.1); c.2978G>A, p.Gly993Asp (NM_001369256.1); short protein forms G982D, G993D.
Identifiers: ClinVar variation 2424 (VCV000002424.5), dbSNP rs121912595, ClinGen allele CA115537.

ClinVar aggregate classification (germline): Likely pathogenic. Review status: criteria provided, single submitter (1 of 4 stars). 3 submissions from 3 submitters: Likely pathogenic (1). 2 of the submissions do not count toward it. Last evaluated 2021-08-31.

Conditions:
Congenital hyperammonemia, type I. Also called: Carbamoyl-phosphate synthase I deficiency; Carbamoyl phosphate synthetase 1 deficiency; Hyperammonemia due to carbamoyl phosphate synthetase 1 deficiency; CPS 1 deficiency; Carbamyl phosphate synthetase (CPS) deficiency; CPS I DEFICIENCY. Identifiers: Orphanet 147, MedGen C4082171, MONDO:0009376, OMIM 237300.

gnomAD v4.1: 1 of 1,605,666 alleles (0.000062%); highest among the groups gnomAD compares: East Asian, 0.0022%; no homozygotes.

Submissions (3):

Women's Health and Genetics/Laboratory Corporation of America, LabCorp
Classification: Likely pathogenic for Congenital hyperammonemia, type I. Last evaluated: 2021-08-31. Review status: criteria provided, single submitter. Criteria: LabCorp Variant Classification Summary - May 2015. Collection method: clinical testing. Allele origin: germline.
Comment: Variant summary: CPS1 c.2945G>A (p.Gly982Asp) results in a non-conservative amino acid change in the encoded protein sequence. Five of five in-silico tools predict a damaging effect of the variant on protein function. The variant was absent in 251064 control chromosomes. c.2945G>A has been reported in the literature in individuals affected with Carbamoylphosphate Synthetase I Deficiency (Kurokawa_2007, Wang_2011, Ikeri_2020, Haberle_2011). These data indicate that the variant is likely to be associated with disease. Additionally, other variants at the same codon have been reported in association with Carbamoylphosphate Synthetase I Deficiency (p.Gly982Ser, p.Gly982Val), suggesting the importance of this amino acid. To our knowledge, no experimental evidence demonstrating an impact on protein function has been reported. No clinical diagnostic laboratories have submitted clinical-significance assessments for this variant to ClinVar after 2014. Based on the evidence outlined above, the variant was classified as likely pathogenic.

Natera, Inc.
Classification: Likely pathogenic for Carbamoyl-phosphate synthase I deficiency. Last evaluated: 2021-06-17. Review status: no assertion criteria provided. Collection method: clinical testing. Allele origin: germline. Not counted in ClinVar's aggregate classification.

OMIM
Classification: Pathogenic for CARBAMOYL PHOSPHATE SYNTHETASE I DEFICIENCY. Last evaluated: 2007-01-01. Review status: no assertion criteria provided. Collection method: literature only. Allele origin: germline. Not counted in ClinVar's aggregate classification.

Literature cited by the submitters: PubMed 21120950 (cited by Women's Health and Genetics/Laboratory Corporation of America, LabCorp); PubMed 17310273 (cited by Women's Health and Genetics/Laboratory Corporation of America, LabCorp and OMIM); PubMed 20855223 (cited by Women's Health and Genetics/Laboratory Corporation of America, LabCorp); PubMed 32280145 (cited by Women's Health and Genetics/Laboratory Corporation of America, LabCorp).